The following is an entry in ClinVar:

NM_000077.5(CDKN2A):c.151G>C (p.Val51Leu)

Gene: CDKN2A (cyclin dependent kinase inhibitor 2A; minus strand). Cytogenetic location: 9p21.3.
Variant type: single nucleotide variant.
Coding change: c.151G>C on transcript NM_000077.5; coding-DNA position 151, G replaced by C.
Protein change: p.Val51Leu; replaces valine 51 with leucine.
Molecular consequence: missense variant (on NM_000077.6). On other transcripts: 5 prime UTR variant (1), 3 prime UTR variant (1).
Genome position (GRCh38, 1-based): chr9:21,971,208, C>G on the plus strand (G>C on the coding strand, the complement: CDKN2A is on the minus strand). VCF-style: chr9-21971208-C-G. GRCh37 (hg19) VCF-style: chr9-21971207-C-G.
Other names: c.151G>C, p.Val51Leu (NM_000077.6, NM_001195132.2); c.-3G>C (NM_001363763.2); c.194G>C, p.Gly65Ala (NM_058195.4); c.*74G>C (NM_058197.5); short protein forms V51L, G65A.
Identifiers: ClinVar variation 3489678 (VCV003489678.1).

ClinVar aggregate classification (germline): Uncertain significance (1 of 4 stars; one submission).

Conditions:
Hereditary cancer-predisposing syndrome. Also called: Tumor predisposition; Neoplastic Syndromes, Hereditary; Hereditary Cancer Syndrome; Hereditary neoplastic syndrome. Identifiers: Orphanet 140162, MedGen C0027672, MeSH D009386, MONDO:0015356.

gnomAD v4.1: 5 of 1,597,488 alleles (0.00031%); highest among the groups gnomAD compares: South Asian, 0.0055%; no homozygotes.

Submission:

Ambry Genetics
Classification: Uncertain significance for Hereditary cancer-predisposing syndrome. Last evaluated: 2024-12-06. Review status: criteria provided, single submitter. Criteria: Ambry Variant Classification Scheme 2023. Collection method: clinical testing. Allele origin: germline.
Comment: The p.V51L variant (also known as c.151G>C) is located in coding exon 2 of the CDKN2A gene. The valine at codon 51 is replaced by leucine, an amino acid with highly similar properties. This change occurs in the first base pair of coding exon 2. Of note, this alteration is also known as c.194G>C (p.G65A)in the p14(ARF) isoform. This amino acid position is highly conserved in available vertebrate species. In addition, the in silico prediction for this alteration is inconclusive. Based on the available evidence, the clinical significance of this variant remains unclear.